The following is an entry in ClinVar:

NM_007373.4(SHOC2):c.1692dup (p.Pro565fs)

Gene: SHOC2 (SHOC2 leucine rich repeat scaffold protein; plus strand). Cytogenetic location: 10q25.2.
Variant type: Duplication.
Coding change: c.1692dup on transcript NM_007373.4 (MANE Select); coding-DNA position 1692, one base duplicated (G; older notation c.1692dupG).
Protein change: p.Pro565fs; shifts the reading frame from proline 565.
Molecular consequence: frameshift variant. On other transcripts: non-coding transcript variant (1).
Genome position (GRCh38, 1-based): chr10:111,011,761, G duplicated; the last of 6 consecutive G bases (chr10:111,011,756-111,011,761); duplicating any one gives the same sequence. VCF-style (leftmost placement, unchanged base first): chr10-111011755-T-TG. GRCh37 (hg19) VCF-style: chr10-112771513-T-TG.
Other names: c.1554dup, p.Pro519fs (NM_001269039.3); c.1692dup, p.Pro565fs (NM_001324336.2, NM_001324337.2); short protein forms P519fs, P565fs.
Identifiers: ClinVar variation 2807258 (VCV002807258.3), dbSNP rs1564732148, ClinGen allele CA2739276011.

ClinVar aggregate classification (germline): Uncertain significance (1 of 4 stars; one submission).

Conditions:
RASopathy. Also called: Noonan spectrum disorder; rasopathies. Identifiers: Orphanet 536391, MedGen C5555857, MONDO:0021060.

Submission:

Labcorp Genetics (formerly Invitae), Labcorp
Classification: Uncertain significance for RASopathy. Last evaluated: 2023-05-24. Review status: criteria provided, single submitter. Criteria: Invitae Variant Classification Sherloc (09022015). Collection method: clinical testing. Allele origin: germline.
Comment: This variant has not been reported in the literature in individuals affected with SHOC2-related conditions. Experimental studies and prediction algorithms are not available or were not evaluated, and the functional significance of this variant is currently unknown. In summary, the available evidence is currently insufficient to determine the role of this variant in disease. Therefore, it has been classified as a Variant of Uncertain Significance. This variant is not present in population databases (gnomAD no frequency). This sequence change results in a frameshift in the SHOC2 gene (p.Pro565Alafs*21). While this is not anticipated to result in nonsense mediated decay, it is expected to disrupt the last 18 amino acid(s) of the SHOC2 protein and extend the protein by 2 additional amino acid residues.